The following is an entry in ClinVar:

NM_001377.3(DYNC2H1):c.2807A>G (p.Lys936Arg)

Gene: DYNC2H1 (dynein cytoplasmic 2 heavy chain 1; plus strand). Cytogenetic location: 11q22.3.
Variant type: single nucleotide variant.
Coding change: c.2807A>G on transcript NM_001377.3 (MANE Select); coding-DNA position 2807, A replaced by G.
Protein change: p.Lys936Arg; replaces lysine 936 with arginine.
Molecular consequence: missense variant.
Genome position (GRCh38, 1-based): chr11:103,147,876, A>G. VCF-style: chr11-103147876-A-G. GRCh37 (hg19) VCF-style: chr11-103018605-A-G.
Other names: c.2807A>G, p.Lys936Arg (NM_001080463.2); short protein forms K936R.
Identifiers: ClinVar variation 2066616 (VCV002066616.5), dbSNP rs781023696, ClinGen allele CA6253165.

ClinVar aggregate classification (germline): Uncertain significance. Review status: criteria provided, multiple submitters, no conflicts (2 of 4 stars). 2 submissions from 2 submitters: Uncertain significance (2). Last evaluated 2024-01-02.

Conditions:
Jeune thoracic dystrophy. Also called: Jeune syndrome; Infantile thoracic dystrophy; Thoracic pelvic phalangeal dystrophy; Jeune's syndrome; Chondroectodermal dysplasia-like syndrome; Short-rib thoracic dysplasia. Identifiers: Orphanet 474, MedGen C0265275, MONDO:0018770.

Allele frequency attached by ClinVar (database versions not stated): gnomAD exomes below 0.00001; ExAC 0.00001; TOPMed 0.00001.

Submissions (2):

Labcorp Genetics (formerly Invitae), Labcorp
Classification: Uncertain significance for Jeune thoracic dystrophy. Last evaluated: 2024-01-02. Review status: criteria provided, single submitter. Criteria: Invitae Variant Classification Sherloc (09022015). Collection method: clinical testing. Allele origin: germline.
Comment: This sequence change replaces lysine, which is basic and polar, with arginine, which is basic and polar, at codon 936 of the DYNC2H1 protein (p.Lys936Arg). This variant is present in population databases (rs781023696, gnomAD no frequency). This variant has not been reported in the literature in individuals affected with DYNC2H1-related conditions. ClinVar contains an entry for this variant (Variation ID: 2066616). Advanced modeling of protein sequence and biophysical properties (such as structural, functional, and spatial information, amino acid conservation, physicochemical variation, residue mobility, and thermodynamic stability) performed at Invitae indicates that this missense variant is not expected to disrupt DYNC2H1 protein function with a negative predictive value of 95%. In summary, the available evidence is currently insufficient to determine the role of this variant in disease. Therefore, it has been classified as a Variant of Uncertain Significance.

Blueprint Genetics
Classification: Uncertain significance. Last evaluated: 2023-11-16. Review status: criteria provided, single submitter. Criteria: ACMG Guidelines, 2015. Collection method: clinical testing. Allele origin: germline.